The following is an entry in ClinVar:

ClinVar aggregate classification (germline): Uncertain significance (1 of 4 stars; one submission).

Conditions:
Hereditary cancer-predisposing syndrome. Also called: Tumor predisposition; Neoplastic Syndromes, Hereditary; Hereditary Cancer Syndrome; Hereditary neoplastic syndrome. Identifiers: Orphanet 140162, MedGen C0027672, MeSH D009386, MONDO:0015356.

Submission:

Ambry Genetics
Classification: Uncertain significance for Hereditary cancer-predisposing syndrome. Last evaluated: 2024-10-08. Review status: criteria provided, single submitter. Criteria: Ambry Variant Classification Scheme 2023. Collection method: clinical testing. Allele origin: germline.
Comment: The p.K870E variant (also known as c.2608A>G), located in coding exon 12 of the BLM gene, results from an A to G substitution at nucleotide position 2608. The lysine at codon 870 is replaced by glutamic acid, an amino acid with similar properties. This amino acid position is conserved. In addition, the in silico prediction for this alteration is inconclusive. Based on the available evidence, the clinical significance of this variant remains unclear.

NM_000057.4(BLM):c.2608A>G (p.Lys870Glu)

Gene: BLM (BLM RecQ like helicase; plus strand). Cytogenetic location: 15q26.1.
Variant type: single nucleotide variant.
Coding change: c.2608A>G on transcript NM_000057.4 (MANE Select); coding-DNA position 2608, A replaced by G.
Protein change: p.Lys870Glu; replaces lysine 870 with glutamic acid.
Molecular consequence: missense variant.
Genome position (GRCh38, 1-based): chr15:90,782,874, A>G. VCF-style: chr15-90782874-A-G. GRCh37 (hg19) VCF-style: chr15-91326104-A-G.
Other names: c.2608A>G, p.Lys870Glu (NM_001287246.2, NM_001287247.2); c.1483A>G, p.Lys495Glu (NM_001287248.2); short protein forms K495E, K870E.
Identifiers: ClinVar variation 3480867 (VCV003480867.1).